The following is an entry in ClinVar:

NM_153252.5(BRWD3):c.1505G>A (p.Arg502Gln)

Gene: BRWD3 (bromodomain and WD repeat domain containing 3; minus strand). Cytogenetic location: Xq21.1.
Variant type: single nucleotide variant.
Coding change: c.1505G>A on transcript NM_153252.5 (MANE Select); coding-DNA position 1505, G replaced by A.
Protein change: p.Arg502Gln; replaces arginine 502 with glutamine.
Molecular consequence: missense variant.
Genome position (GRCh38, 1-based): chrX:80,724,949, C>T on the plus strand (G>A on the coding strand, the complement: BRWD3 is on the minus strand). VCF-style: chrX-80724949-C-T. GRCh37 (hg19) VCF-style: chrX-79980448-C-T.
Other names: short protein forms R502Q.
Identifiers: ClinVar variation 589284 (VCV000589284.4), dbSNP rs1569261916, ClinGen allele CA413635044.

ClinVar aggregate classification (germline): Uncertain significance. Review status: criteria provided, multiple submitters, no conflicts (2 of 4 stars). 2 submissions from 2 submitters: Uncertain significance (2). Last evaluated 2022-10-25.

Conditions:
History of neurodevelopmental disorder. Identifiers: MedGen C2711754.

Allele frequency attached by ClinVar (database versions not stated): gnomAD exomes below 0.00001.
gnomAD v4.1: 1 of 1,209,928 alleles (0.000083%); highest among the groups gnomAD compares: Non-Finnish European, 0.00011%; no homozygotes.

Submissions (2):

GeneDx
Classification: Uncertain significance. Last evaluated: 2022-10-25. Review status: criteria provided, single submitter. Criteria: GeneDx Variant Classification Process June 2021. Collection method: clinical testing. Allele origin: germline. Affected: yes.
Comment: De novo variant with confirmed parentage in at least one male patient with developmental delay and/or intellectual disability; however, additional patient-specific clinical information and family history were not provided (Turner et al., 2019; Martin et al., 2021); Not observed at significant frequency in large population cohorts (gnomAD); In silico analysis supports that this missense variant does not alter protein structure/function; This variant is associated with the following publications: (PMID: 31785789, 33504798)

Ambry Genetics
Classification: Uncertain significance for History of neurodevelopmental disorder. Last evaluated: 2016-05-11. Review status: criteria provided, single submitter. Criteria: Ambry Autosomal Dominant and X-Linked criteria (10/2015). Collection method: clinical testing. Allele origin: germline. Observed: 1 variant allele.
Comment: The p.R502Q variant (also known as c.1505G>A), located in coding exon 15 of the BRWD3 gene, results from a G to A substitution at nucleotide position 1505. The arginine at codon 502 is replaced by glutamine, an amino acid with highly similar properties. This variant was not reported in population based cohorts in the following databases: Database of Single Nucleotide Polymorphisms (dbSNP), NHLBI Exome Sequencing Project (ESP), and 1000 Genomes Project. In the ESP, this variant was not observed in 6503 samples with coverage at this position. This amino acid position is highly conserved in available vertebrate species. In addition, this alteration is predicted to be tolerated by in silico analysis.Since supporting evidence is limited at this time, the clinical significance of this variant remains unclear.